The following is an entry in ClinVar:

NM_018026.4(PACS1):c.433G>A (p.Val145Met)

Gene: PACS1 (phosphofurin acidic cluster sorting protein 1; plus strand). Cytogenetic location: 11q13.2.
Variant type: single nucleotide variant.
Coding change: c.433G>A on transcript NM_018026.4 (MANE Select); coding-DNA position 433, G replaced by A.
Protein change: p.Val145Met; replaces valine 145 with methionine.
Molecular consequence: missense variant.
Genome position (GRCh38, 1-based): chr11:66,193,562, G>A. VCF-style: chr11-66193562-G-A. GRCh37 (hg19) VCF-style: chr11-65961033-G-A.
Other names: short protein forms V145M.
Identifiers: ClinVar variation 3705084 (VCV003705084.2).

ClinVar aggregate classification (germline): Uncertain significance (1 of 4 stars; one submission).

Conditions:
Schuurs-Hoeijmakers syndrome. Also called: PACS1-Related Neurodevelopmental Disorder. Identifiers: Orphanet 329224, MedGen C3554343, MONDO:0014006, OMIM 615009.

Submission:

Labcorp Genetics (formerly Invitae), Labcorp
Classification: Uncertain significance for Schuurs-Hoeijmakers syndrome. Last evaluated: 2025-02-04. Review status: criteria provided, single submitter. Criteria: Invitae Variant Classification Sherloc (09022015). Collection method: clinical testing. Allele origin: germline.
Comment: This sequence change replaces valine, which is neutral and non-polar, with methionine, which is neutral and non-polar, at codon 145 of the PACS1 protein (p.Val145Met). This variant is not present in population databases (gnomAD no frequency). This variant has not been reported in the literature in individuals affected with PACS1-related conditions. Invitae Evidence Modeling of protein sequence and biophysical properties (such as structural, functional, and spatial information, amino acid conservation, physicochemical variation, residue mobility, and thermodynamic stability) indicates that this missense variant is not expected to disrupt PACS1 protein function with a negative predictive value of 80%. In summary, the available evidence is currently insufficient to determine the role of this variant in disease. Therefore, it has been classified as a Variant of Uncertain Significance.